The following is an entry in ClinVar:

NM_016284.5(CNOT1):c.2903A>G (p.Tyr968Cys)

Gene: CNOT1 (CCR4-NOT transcription complex subunit 1; minus strand). Cytogenetic location: 16q21.
Variant type: single nucleotide variant.
Coding change: c.2903A>G on transcript NM_016284.5 (MANE Select); coding-DNA position 2903, A replaced by G.
Protein change: p.Tyr968Cys; replaces tyrosine 968 with cysteine.
Molecular consequence: missense variant. On other transcripts: non-coding transcript variant (1).
Genome position (GRCh38, 1-based): chr16:58,553,849, T>C on the plus strand (A>G on the coding strand, the complement: CNOT1 is on the minus strand). VCF-style: chr16-58553849-T-C. GRCh37 (hg19) VCF-style: chr16-58587753-T-C.
Other names: c.2888A>G, p.Tyr963Cys (NM_001265612.2); c.2903A>G, p.Tyr968Cys (NM_206999.3); short protein forms Y963C, Y968C.
Identifiers: ClinVar variation 2672640 (VCV002672640.23), dbSNP rs2543946524, ClinGen allele CA396173317.
Genomic context (GRCh38, chr16:58,553,849, plus strand): 5'-AAATGATGTGGAAATTGCATAAAGTGACTGATAGAAGCCAAATGCTGACAATACTGGGGA[T>C]AGTCCTTCAATCTGCCAACAAAATTATTCTACCATCATTTCATGTCAGAACAGAAGCATC-3'
Protein context (NP_057368.3, residues 958-978): LDRFKNRLKD[Tyr968Cys]PQYCQHLASI

ClinVar aggregate classification (germline): Uncertain significance (1 of 4 stars; one submission).

Allele frequency attached by ClinVar (database versions not stated): gnomAD exomes below 0.00001.
gnomAD v4.1: 7 of 1,609,434 alleles (0.00043%); highest among the groups gnomAD compares: Non-Finnish European, 0.00051%; no homozygotes.

Submission:

CeGaT Center for Human Genetics Tuebingen
Classification: Uncertain significance. Last evaluated: 2023-11-01. Review status: criteria provided, single submitter. Criteria: CeGaT Center For Human Genetics Tuebingen Variant Classification Criteria Version 2. Collection method: clinical testing. Allele origin: germline. Affected: yes. Observed: 1 variant allele.
Comment: CNOT1: PM2, PP2